The following is an entry in ClinVar:

ClinVar aggregate classification (germline): Pathogenic/Likely pathogenic. Review status: criteria provided, multiple submitters, no conflicts (2 of 4 stars). 4 submissions from 4 submitters: Pathogenic (2); Likely pathogenic (1). 1 of the submissions does not count toward it. Last evaluated 2024-04-25.

Conditions:
Foveal hypoplasia - optic nerve decussation defect - anterior segment dysgenesis syndrome. Also called: Foveal hypoplasia 2; FOVEAL HYPOPLASIA 2 WITH OR WITHOUT OPTIC NERVE MISROUTING AND/OR ANTERIOR SEGMENT DYSGENESIS; FOVEAL HYPOPLASIA 2 WITH OR WITHOUT MICROPHTHALMIA OR COLOBOMA; FOVEAL HYPOPLASIA 2 WITH OPTIC NERVE DECUSSATION DEFECTS AND ANTERIOR SEGMENT DYSGENESIS WITHOUT ALBINISM. Identifiers: Orphanet 397618, MedGen C3807873, MONDO:0012216, OMIM 609218.

Allele frequency attached by ClinVar (database versions not stated): ExAC 0.00001; gnomAD exomes 0.00003.
gnomAD v4.1: 32 of 1,613,888 alleles (0.002%); highest among the groups gnomAD compares: South Asian, 0.033%; no homozygotes.

Submissions (4):

Fulgent Genetics
Classification: Pathogenic for Foveal hypoplasia - optic nerve decussation defect - anterior segment dysgenesis syndrome. Last evaluated: 2024-04-25. Review status: criteria provided, single submitter. Criteria: ACMG Guidelines, 2015. Collection method: clinical testing. Allele origin: germline.

Labcorp Genetics (formerly Invitae), Labcorp
Classification: Pathogenic. Last evaluated: 2024-02-02. Review status: criteria provided, single submitter. Criteria: Invitae Variant Classification Sherloc (09022015). Collection method: clinical testing. Allele origin: germline.
Comment: This sequence change creates a premature translational stop signal (p.Tyr88*) in the SLC38A8 gene. It is expected to result in an absent or disrupted protein product. Loss-of-function variants in SLC38A8 are known to be pathogenic (PMID: 24290379). This variant is present in population databases (rs761388176, gnomAD 0.03%). This premature translational stop signal has been observed in individual(s) with SLC38A8-related conditions (PMID: 32830442). ClinVar contains an entry for this variant (Variation ID: 988803). For these reasons, this variant has been classified as Pathogenic.

Neuberg Centre For Genomic Medicine, NCGM
Classification: Likely pathogenic for Foveal hypoplasia - optic nerve decussation defect - anterior segment dysgenesis syndrome. Last evaluated: 2023-03-01. Review status: criteria provided, single submitter. Criteria: ACMG Guidelines, 2015. Collection method: clinical testing. Allele origin: germline. Inheritance: Autosomal recessive inheritance. Affected: yes.
Comment: The stop gained c.264C>G (p.Tyr88Ter) variant in the SLC38A8 gene has not been reported previously as a pathogenic variant nor as a benign variant, to our knowledge. This variant is reported with the allele frequency (0.003%) in the gnomAD Exomes and novel in 1000 Genomes. This variant has been reported to the ClinVar database as Pathogenic.The nucleotide change c.264C>G in SLC38A8 is predicted as conserved by GERP++ and PhyloP across 100 vertebrates. This variant is predicted to cause loss of normal protein function through protein truncation. Loss of function variants have been previously reported to be disease causing. Further studies are required to prove its pathogenicity.For these reasons; this variant has been classified as Likely Pathogenic.

Inherited Eye Disorders lab, UCL Institute of Ophthalmology
Classification: Pathogenic for Foveal hypoplasia - optic nerve decussation defect - anterior segment dysgenesis syndrome. Last evaluated: 2020-12-16. Review status: no assertion criteria provided. Collection method: clinical testing. Allele origin: inherited. Affected: yes. Not counted in ClinVar's aggregate classification.

Literature cited by the submitters: PubMed 24290379 (cited by Labcorp Genetics (formerly Invitae), Labcorp); PubMed 32830442 (cited by Labcorp Genetics (formerly Invitae), Labcorp).

NM_001080442.3(SLC38A8):c.264C>G (p.Tyr88Ter)

Gene: SLC38A8 (solute carrier family 38 member 8; minus strand). Cytogenetic location: 16q23.3.
Variant type: single nucleotide variant.
Coding change: c.264C>G on transcript NM_001080442.3 (MANE Select); coding-DNA position 264, C replaced by G.
Protein change: p.Tyr88Ter; replaces tyrosine 88 with a stop codon.
Molecular consequence: nonsense.
Genome position (GRCh38, 1-based): chr16:84,036,826, G>C on the plus strand (C>G on the coding strand, the complement: SLC38A8 is on the minus strand). VCF-style: chr16-84036826-G-C. GRCh37 (hg19) VCF-style: chr16-84070431-G-C.
Other names: short protein forms Y88*.
Identifiers: ClinVar variation 988803 (VCV000988803.5), dbSNP rs761388176, ClinGen allele CA8200409.
Genomic context (GRCh38, chr16:84,036,826, plus strand): 5'-GAAGCAGGCCTCACACAGCTTCCCAATGGCAGGGCCACACAGCCCCCTGACCACACCCTG[G>C]TAGGTGGCCTGGCCACTGACAGCAGCAGCATAGCCCAGGATGACCAGCCCGCTGATCAGG-3'